The following is an entry in ClinVar:

NM_001004320.2(AGMO):c.1263+1dup

Gene: AGMO (alkylglycerol monooxygenase; minus strand). Cytogenetic location: 7p21.2.
Variant type: Duplication.
Coding change: c.1263+1dup on transcript NM_001004320.2 (MANE Select); the canonical splice donor site of the intron after coding-DNA position 1263, one base duplicated (G; older notation c.1263+1dupG).
Molecular consequence: splice donor variant.
Genome position (GRCh38, 1-based): chr7:15,365,513, C duplicated on the plus strand (G on the coding strand, the reverse complement: AGMO is on the minus strand); the first of 2 consecutive C bases (chr7:15,365,513-15,365,514); duplicating either gives the same sequence. VCF-style (leftmost placement, unchanged base first): chr7-15365512-A-AC. GRCh37 (hg19) VCF-style: chr7-15405137-A-AC.
Identifiers: ClinVar variation 1301548 (VCV001301548.2), dbSNP rs780799912, ClinGen allele CA4168284.

ClinVar aggregate classification (germline): Uncertain significance (1 of 4 stars; one submission).

Submission:

Dubai Health Genomic Medicine Center, Dubai Health
Classification: Uncertain significance. Last evaluated: 2020-07-27. Review status: criteria provided, single submitter. Criteria: ACMG Guidelines, 2015. Collection method: clinical testing. Allele origin: germline. Affected: yes.
Comment: The c.1263+1dupG variant in AGMO has not been previously reported in individuals with disease but was detected in 16/30402 (0.0526% 0 homozygotes) South Asian alleles in the Genome Aggregation Database (gnomAD). This variant occurs in the invariant region (+/- 1/2) of the splice consensus sequence and is predicted to cause altered splicing leading to an abnormal or absent protein. However more evidence is needed to establish the role of the AGMO gene in human disease and therefore the clinical significance of this variant is uncertain.